The following is an entry in ClinVar:

NM_212482.4(FN1):c.4486C>T (p.Arg1496Trp)

Gene: FN1 (fibronectin 1; minus strand). Cytogenetic location: 2q35.
Variant type: single nucleotide variant.
Coding change: c.4486C>T on transcript NM_212482.4 (MANE Select); coding-DNA position 4486, C replaced by T.
Protein change: p.Arg1496Trp; replaces arginine 1496 with tryptophan.
Molecular consequence: missense variant.
Genome position (GRCh38, 1-based): chr2:215,386,815, G>A on the plus strand (C>T on the coding strand, the complement: FN1 is on the minus strand). VCF-style: chr2-215386815-G-A. GRCh37 (hg19) VCF-style: chr2-216251538-G-A.
Other names: p.Arg1496Trp; c.4486C>T (NM_212482.1, NM_212482.3); c.4486C>T, p.Arg1496Trp (NM_001306129.2, NM_001306130.2, NM_001365517.2 and 3 more transcripts); c.4213C>T, p.Arg1405Trp (NM_001306131.2, NM_001306132.2, NM_001365518.2 and 7 more transcripts); short protein forms R1496W, R1405W.
Identifiers: ClinVar variation 779411 (VCV000779411.43), dbSNP rs139078629, ClinGen allele CA2094411.

ClinVar aggregate classification (germline): Conflicting classifications of pathogenicity. Review status: criteria provided, conflicting classifications (1 of 4 stars). 8 submissions from 8 submitters: Uncertain significance (1); Benign (3); Likely benign (1). 3 of the submissions do not count toward it. Last evaluated 2026-09-01.

Conditions:
Chronic kidney disease. Identifiers: MedGen C1561643, MONDO:0005300, HP:0012622.

Allele frequency attached by ClinVar (database versions not stated): 1000 Genomes Project 0.00280; 1000 Genomes Project 30x 0.00297; gnomAD exomes 0.00479; ExAC 0.00490; gnomAD 0.00537 and 0.00542; TOPMed 0.00599; ESP Exome Variant Server 0.00623.
gnomAD v4.1: 11,893 of 1,613,908 alleles (0.74%); highest among the groups gnomAD compares: Non-Finnish European, 0.9%; 62 homozygotes.

Submissions (8):

CeGaT Center for Human Genetics Tuebingen
Classification: Likely benign. Last evaluated: 2026-09-01. Review status: criteria provided, single submitter. Criteria: CeGaT Center For Human Genetics Tuebingen Variant Classification Criteria Version 2. Collection method: clinical testing. Allele origin: germline. Affected: yes. Observed: 15 variant alleles.
Comment: FN1: PP2, BS2

Labcorp Genetics (formerly Invitae), Labcorp
Classification: Benign. Last evaluated: 2026-01-27. Review status: criteria provided, single submitter. Criteria: Invitae Variant Classification Sherloc (09022015). Collection method: clinical testing. Allele origin: germline.

Mayo Clinic Laboratories, Mayo Clinic
Classification: Benign. Last evaluated: 2024-11-25. Review status: criteria provided, single submitter. Criteria: ACMG Guidelines, 2015. Collection method: clinical testing. Allele origin: germline. Observed: 1 variant allele.
Comment: BS1, BS2

Cavalleri Lab, Royal College of Surgeons in Ireland
Classification: Uncertain significance for Chronic kidney disease. Last evaluated: 2020-05-28. Review status: criteria provided, single submitter. Criteria: ACMG Guidelines, 2015. Collection method: research. Allele origin: unknown. Inheritance: Autosomal dominant inheritance. Affected: yes.
Comment: PP2, PP3, BS1

GeneDx
Classification: Benign. Last evaluated: 2020-03-16. Review status: criteria provided, single submitter. Criteria: GeneDx Variant Classification Process June 2021. Collection method: clinical testing. Allele origin: germline. Affected: yes.

Clinical Genetics DNA and cytogenetics Diagnostics Lab, Erasmus MC, Erasmus Medical Center
Classification: Benign. Review status: no assertion criteria provided. Collection method: clinical testing. Allele origin: germline. Affected: yes. Study: VKGL Data-share Consensus. Not counted in ClinVar's aggregate classification.

Department of Pathology and Laboratory Medicine, Sinai Health System
Classification: Uncertain significance. Review status: no assertion criteria provided. Collection method: clinical testing. Allele origin: unknown. Affected: yes. Study: The Canadian Open Genetics Repository (COGR). Not counted in ClinVar's aggregate classification.

Diagnostic Laboratory, Department of Genetics, University Medical Center Groningen
Classification: Likely benign. Review status: no assertion criteria provided. Collection method: clinical testing. Allele origin: germline. Affected: yes. Study: VKGL Data-share Consensus. Not counted in ClinVar's aggregate classification.